The following is an entry in ClinVar:

ClinVar aggregate classification (germline): Pathogenic (1 of 4 stars; one submission).

Submission:

Quest Diagnostics Nichols Institute San Juan Capistrano
Classification: Pathogenic. Last evaluated: 2021-08-31. Review status: criteria provided, single submitter. Criteria: ACMG/ClinGen CNV Guidelines, 2019. Collection method: clinical testing. Allele origin: unknown.
Comment: The copy number loss of 13q13.3q14.11 involves several protein-coding genes, including NBEA (OMIM 604889) and SMAD9 (OMIM 603295), and is expected to cause phenotypic and/or behavioral abnormalities. Haploinsufficiency of NBEA due to de novo sequence variants and partial gene deletions has been associated with a neurodevelopmental disorder with or without early-onset generalized epilepsy (OMIM 619157) that is characterized by global developmental delay apparent from infancy or early childhood, variably impaired intellectual development, speech delay, and behavioral abnormalities. About half of patients develop early-onset generalized epilepsy with different seizure types, including myoclonic or myoclonic-atonic epilepsy (Mulhern 2018). Additionally, haploinsufficiency of SMAD9 is associated with autosomal dominant primary pulmonary hypertension-2 (OMIM 615342). Additional information on this locus: there are multiple genes in this copy number loss that are associated with autosomal recessivedisorders: MAB21L1 (OMIM 601280), SPART (OMIM 607111), RFXAP (OMIM 601861), EXOSC8 (OMIM 606019), UFM1 (OMIM 610553), FREM2 (OMIM 608945), and COG6 (OMIM 606977). References: Mulhern et al., Ann Neurol. 2018 Nov;84(5):788-795. PMID: 30269351.

GRCh37/hg19 13q13.3-14.11(chr13:35501428-40901176)x1

Genes: ALG5 (ALG5 dolichyl-phosphate beta-glucosyltransferase; minus strand), CCDC169 (coiled-coil domain containing 169; minus strand), CCDC169-SOHLH2 (CCDC169-SOHLH2 readthrough; minus strand), CCNA1 (cyclin A1; plus strand), COG6 (component of oligomeric golgi complex 6; plus strand) and 19 more. Cytogenetic location: 13q13.3-14.11.
Variant type: copy number loss.
Change: copy number 1 (one copy instead of two) of chr13:35,501,428-40,901,176 (5.40 Mb, GRCh37 coordinates, 1-based), cytogenetic band 13q13.3-14.11.
Identifiers: ClinVar variation 1809134 (VCV001809134.1).